The following is an entry in ClinVar:

ClinVar aggregate classification (germline): Uncertain significance (1 of 4 stars; one submission).

Submission:

GeneDx
Classification: Uncertain significance. Last evaluated: 2021-06-07. Review status: criteria provided, single submitter. Criteria: GeneDx Variant Classification Process June 2021. Collection method: clinical testing. Allele origin: germline. Affected: yes.
Comment: Not observed at significant frequency in large population cohorts (Lek et al., 2016); In silico analysis supports that this missense variant does not alter protein structure/function; Has not been previously published as pathogenic or benign to our knowledge; This variant is associated with the following publications: (PMID: 27535533)

NM_001354604.2(MITF):c.619A>G (p.Ser207Gly)

Gene: MITF (melanocyte inducing transcription factor; plus strand). Cytogenetic location: 3p13.
Variant type: single nucleotide variant.
Coding change: c.619A>G on transcript NM_001354604.2 (MANE Select); coding-DNA position 619, A replaced by G.
Protein change: p.Ser207Gly; replaces serine 207 with glycine.
Molecular consequence: missense variant.
Genome position (GRCh38, 1-based): chr3:69,939,134, A>G. VCF-style: chr3-69939134-A-G. GRCh37 (hg19) VCF-style: chr3-69988285-A-G.
Other names: c.298A>G, p.Ser100Gly (NM_000248.4, NM_198158.3); c.463A>G, p.Ser155Gly (NM_001184967.2, NM_001354608.2); c.616A>G, p.Ser206Gly (NM_001354605.2, NM_001354606.2, NM_006722.3); c.568A>G, p.Ser190Gly (NM_001354607.2); c.619A>G, p.Ser207Gly (NM_198159.3); c.571A>G, p.Ser191Gly (NM_198177.3); c.130A>G, p.Ser44Gly (NM_198178.3); short protein forms S100G, S155G, S190G, S191G, S206G, S207G, S44G.
Identifiers: ClinVar variation 1327872 (VCV001327872.2), dbSNP rs2065909873, ClinGen allele CA353560900.